The following is an entry in ClinVar:

NM_021922.3(FANCE):c.421C>T (p.Arg141Ter)

Gene: FANCE (FA complementation group E; plus strand). Cytogenetic location: 6p21.31.
Variant type: single nucleotide variant.
Coding change: c.421C>T on transcript NM_021922.3 (MANE Select); coding-DNA position 421, C replaced by T.
Protein change: p.Arg141Ter; replaces arginine 141 with a stop codon.
Molecular consequence: nonsense.
Genome position (GRCh38, 1-based): chr6:35,455,919, C>T. VCF-style: chr6-35455919-C-T. GRCh37 (hg19) VCF-style: chr6-35423696-C-T.
Other names: short protein forms R141*.
Identifiers: ClinVar variation 8710 (VCV000008710.16), dbSNP rs121434506, ClinGen allele CA254531.
Genomic context (GRCh38, chr6:35,455,919, plus strand): 5'-GCCCAGCAGGACCTAGCCCCTGACCCAGATGCCTGGCTCCGTGCCCTGGGGGAATTGCTG[C>T]GAAGGGATTTGGGGGTGGGGACCTCCATGGAGGGAGCTTCTCCACTGTCTGAAAGATGCC-3'

ClinVar aggregate classification (germline): Pathogenic/Likely pathogenic. Review status: criteria provided, multiple submitters, no conflicts (2 of 4 stars). 8 submissions from 8 submitters: Pathogenic (5); Likely pathogenic (1). 2 of the submissions do not count toward it. Last evaluated 2025-10-27.

Conditions:
Fanconi anemia complementation group E (FANCE). Also called: FANCE-Related Fanconi Anemia. Identifiers: Orphanet 84, MedGen C3160739, MONDO:0010953, OMIM 600901.

Allele frequency attached by ClinVar (database versions not stated): TOPMed below 0.00001; ExAC 0.00001; gnomAD exomes 0.00001 and below 0.00001.

Submissions (8):

Labcorp Genetics (formerly Invitae), Labcorp
Classification: Pathogenic for Fanconi anemia complementation group E. Last evaluated: 2025-10-27. Review status: criteria provided, single submitter. Criteria: Invitae Variant Classification Sherloc (09022015). Collection method: clinical testing. Allele origin: germline.
Comment: This sequence change creates a premature translational stop signal (p.Arg141*) in the FANCE gene. It is expected to result in an absent or disrupted protein product. Loss-of-function variants in FANCE are known to be pathogenic (PMID: 11001585, 17924555). This variant is present in population databases (rs121434506, gnomAD 0.004%). This premature translational stop signal has been observed in individual(s) with Fanconi anemia (PMID: 11001585). ClinVar contains an entry for this variant (Variation ID: 8710). For these reasons, this variant has been classified as Pathogenic.

Revvity Omics, Revvity
Classification: Pathogenic for Fanconi anemia complementation group E. Last evaluated: 2025-04-08. Review status: criteria provided, single submitter. Criteria: ACMG Guidelines, 2015. Collection method: clinical testing. Allele origin: germline.

Genomic Medicine Center of Excellence, King Faisal Specialist Hospital and Research Centre
Classification: Pathogenic for Fanconi anemia complementation group E. Last evaluated: 2024-03-26. Review status: criteria provided, single submitter. Criteria: ACMG Guidelines, 2015. Collection method: clinical testing. Allele origin: germline.

Baylor Genetics
Classification: Pathogenic for Fanconi anemia complementation group E. Last evaluated: 2024-03-14. Review status: criteria provided, single submitter. Criteria: ACMG Guidelines, 2015. Collection method: clinical testing. Allele origin: unknown.

Fulgent Genetics
Classification: Likely pathogenic for Fanconi anemia complementation group E. Last evaluated: 2022-05-04. Review status: criteria provided, single submitter. Criteria: ACMG Guidelines, 2015. Collection method: clinical testing. Allele origin: unknown.

Juno Genomics, Hangzhou Juno Genomics, Inc
Classification: Pathogenic for Fanconi anemia complementation group E. Review status: criteria provided, single submitter. Criteria: ACMG Guidelines, 2015. Collection method: clinical testing. Allele origin: germline.
Comment: Absent from controls (or at extremely low frequency if recessive) in Genome Aggregation Database.;Null variant in a gene where loss of function (LOF) is a known mechanism of disease.;For recessive disorders, detected in trans with a pathogenic variant.

Leiden Open Variation Database
Classification: Pathogenic for Fanconi anemia complementation group E. Last evaluated: 2011-02-07. Review status: no assertion criteria provided. Collection method: curation. Allele origin: germline. Affected: yes. Not counted in ClinVar's aggregate classification.
Comment: Curator: Arleen D. Auerbach. Submitter to LOVD: Johan de Winter.

OMIM
Classification: Pathogenic for FANCONI ANEMIA, COMPLEMENTATION GROUP E. Last evaluated: 2000-11-01. Review status: no assertion criteria provided. Collection method: literature only. Allele origin: germline. Not counted in ClinVar's aggregate classification.

Literature cited by the submitters: PubMed 11001585 (cited by 3 submitters); PubMed 17924555 (cited by Labcorp Genetics (formerly Invitae), Labcorp).